The following is an entry in ClinVar:

ClinVar aggregate classification (germline): Uncertain significance (1 of 4 stars; one submission).

Allele frequency attached by ClinVar (database versions not stated): TOPMed below 0.00001; gnomAD 0.00001.
gnomAD v4.1: 36 of 1,613,892 alleles (0.0022%); highest among the groups gnomAD compares: Non-Finnish European, 0.0029%; no homozygotes.

Submission:

CeGaT Center for Human Genetics Tuebingen
Classification: Uncertain significance. Last evaluated: 2022-08-01. Review status: criteria provided, single submitter. Criteria: CeGaT Center For Human Genetics Tuebingen Variant Classification Criteria Version 2. Collection method: clinical testing. Allele origin: germline. Affected: yes. Observed: 1 variant allele.
Comment: COL4A3: PM2, BP5

NM_000091.5(COL4A3):c.2843C>T (p.Ser948Phe)

Genes: COL4A3 (collagen type IV alpha 3 chain; plus strand), MFF-DT (MFF divergent transcript; minus strand). Cytogenetic location: 2q36.3.
Variant type: single nucleotide variant.
Coding change: c.2843C>T on transcript NM_000091.5 (MANE Select); coding-DNA position 2843, C replaced by T.
Protein change: p.Ser948Phe; replaces serine 948 with phenylalanine.
Molecular consequence: missense variant.
Genome position (GRCh38, 1-based): chr2:227,284,307, C>T. VCF-style: chr2-227284307-C-T. GRCh37 (hg19) VCF-style: chr2-228149023-C-T.
Other names: short protein forms S948F.
Identifiers: ClinVar variation 2651957 (VCV002651957.24), dbSNP rs927872112, ClinGen allele CA66601147.
Genomic context (GRCh38, chr2:227,284,307, plus strand): 5'-GAACCCCAGGAGCCAAGGGGGAACAAGGAGATAAAGGAAATCCCGGGCCTTCAGAGATAT[C>T]CCACGTAATAGGGGACAAAGGAGAACCAGGTCTCAAAGGTAAAGAATTGCTTGTTTGGAA-3'
Protein context (NP_000082.2, residues 938-958): DKGNPGPSEI[Ser948Phe]HVIGDKGEPG